The following is an entry in ClinVar:

ClinVar aggregate classification (germline): Likely benign (1 of 4 stars; one submission).

Conditions:
OPA1-related disorder. Also called: OPA1-related disorders; OPA1-related condition.

Submission:

PreventionGenetics, part of Exact Sciences
Classification: Likely benign for OPA1-related condition. Last evaluated: 2026-03-26. Review status: criteria provided, single submitter. Criteria: ACMG Guidelines, 2015. Collection method: clinical testing. Allele origin: germline.
Comment: This variant is classified as likely benign based on ACMG/AMP sequence variant interpretation guidelines (Richards et al. 2015 PMID: 25741868, with internal and published modifications).

NM_130837.3(OPA1):c.2012+5G>A

Gene: OPA1 (OPA1 mitochondrial dynamin like GTPase; plus strand). Cytogenetic location: 3q29.
Variant type: single nucleotide variant.
Coding change: c.2012+5G>A on transcript NM_130837.3 (MANE Select); 5 bases into the intron after coding-DNA position 2012, G replaced by A.
Molecular consequence: intron variant.
Genome position (GRCh38, 1-based): chr3:193,648,876, G>A. VCF-style: chr3-193648876-G-A. GRCh37 (hg19) VCF-style: chr3-193366665-G-A.
Other names: c.1475+5G>A (NM_001354664.2); c.1478+5G>A (NM_001354663.2); c.1901+5G>A (NM_130834.3); c.1958+5G>A (NM_130836.3); c.1847+5G>A (NM_015560.3); c.1904+5G>A (NM_130835.3); c.1793+5G>A (NM_130832.3); c.1850+5G>A (NM_130833.3); and 1 more.
Identifiers: ClinVar variation 4996803 (VCV004996803.1).
Genomic context (GRCh38, chr3:193,648,876, plus strand): 5'-AAAAATGAAATCCTTGATGAAGTTATCAGTCTGAGCCAGGTTACACCAAAACATTGGTAA[G>A]TATTTGATATTAATCTCTTTTCTGAAAGACTTTACTGTACAGGTTATAATGAAATGCTAA-3'